The following is an entry in ClinVar:

NM_006231.4(POLE):c.3056G>A (p.Ser1019Asn)

Gene: POLE (DNA polymerase epsilon, catalytic subunit; minus strand). Cytogenetic location: 12q24.33.
Variant type: single nucleotide variant.
Coding change: c.3056G>A on transcript NM_006231.4 (MANE Select); coding-DNA position 3056, G replaced by A.
Protein change: p.Ser1019Asn; replaces serine 1019 with asparagine.
Molecular consequence: missense variant.
Genome position (GRCh38, 1-based): chr12:132,660,973, C>T on the plus strand (G>A on the coding strand, the complement: POLE is on the minus strand). VCF-style: chr12-132660973-C-T. GRCh37 (hg19) VCF-style: chr12-133237559-C-T.
Other names: short protein forms S1019N.
Identifiers: ClinVar variation 1023108 (VCV001023108.11), dbSNP rs1298505088, ClinGen allele CA387392148.

ClinVar aggregate classification (germline): Conflicting classifications of pathogenicity. Review status: criteria provided, conflicting classifications (1 of 4 stars). 2 submissions from 2 submitters: Uncertain significance (1); Likely benign (1). Last evaluated 2025-12-08.

Conditions:
Hereditary cancer-predisposing syndrome. Also called: Hereditary Cancer Syndrome; Neoplastic Syndromes, Hereditary; Tumor predisposition; Hereditary neoplastic syndrome. Identifiers: Orphanet 140162, MedGen C0027672, MeSH D009386, MONDO:0015356.

Submissions (2):

Labcorp Genetics (formerly Invitae), Labcorp
Classification: Uncertain significance. Last evaluated: 2025-12-08. Review status: criteria provided, single submitter. Criteria: Invitae Variant Classification Sherloc (09022015). Collection method: clinical testing. Allele origin: germline.
Comment: This sequence change replaces serine, which is neutral and polar, with asparagine, which is neutral and polar, at codon 1019 of the POLE protein (p.Ser1019Asn). This variant is not present in population databases (gnomAD no frequency). This variant has not been reported in the literature in individuals affected with POLE-related conditions. ClinVar contains an entry for this variant (Variation ID: 1023108). Invitae Evidence Modeling of protein sequence and biophysical properties (such as structural, functional, and spatial information, amino acid conservation, physicochemical variation, residue mobility, and thermodynamic stability) indicates that this missense variant is not expected to disrupt POLE protein function with a negative predictive value of 80%. In summary, the available evidence is currently insufficient to determine the role of this variant in disease. Therefore, it has been classified as a Variant of Uncertain Significance.

Ambry Genetics
Classification: Likely benign for Hereditary cancer-predisposing syndrome. Last evaluated: 2025-02-04. Review status: criteria provided, single submitter. Criteria: Ambry Variant Classification Scheme 2023. Collection method: clinical testing. Allele origin: germline.